The following is an entry in ClinVar:

ClinVar aggregate classification (germline): Uncertain significance (1 of 4 stars; one submission).

Conditions:
Microcephaly-intellectual disability-sensorineural hearing loss-epilepsy-abnormal muscle tone syndrome (NEDHSB). Also called: NEURODEVELOPMENTAL DISORDER WITH HEARING LOSS, SEIZURES, AND BRAIN ABNORMALITIES. Identifiers: Orphanet 457351, MedGen C4225276, MONDO:0014698, OMIM 616577.

Allele frequency attached by ClinVar (database versions not stated): gnomAD exomes below 0.00001; TOPMed below 0.00001; gnomAD 0.00001.
gnomAD v4.1: 4 of 1,614,082 alleles (0.00025%); highest among the groups gnomAD compares: Non-Finnish European, 0.00025%; no homozygotes.

Submission:

Labcorp Genetics (formerly Invitae), Labcorp
Classification: Uncertain significance for Microcephaly-intellectual disability-sensorineural hearing loss-epilepsy-abnormal muscle tone syndrome. Last evaluated: 2021-01-01. Review status: criteria provided, single submitter. Criteria: Invitae Variant Classification Sherloc (09022015). Collection method: clinical testing. Allele origin: germline.
Comment: This variant is not present in population databases (ExAC no frequency). This sequence change replaces alanine with valine at codon 30 of the SPATA5 protein (p.Ala30Val). The alanine residue is weakly conserved and there is a small physicochemical difference between alanine and valine. This variant has not been reported in the literature in individuals with SPATA5-related conditions. Advanced modeling of protein sequence and biophysical properties (such as structural, functional, and spatial information, amino acid conservation, physicochemical variation, residue mobility, and thermodynamic stability) performed at Invitae indicates that this missense variant is not expected to disrupt SPATA5 protein function. Algorithms developed to predict the effect of sequence changes on RNA splicing suggest that this variant may create or strengthen a splice site, but this prediction has not been confirmed by published transcriptional studies. In summary, the available evidence is currently insufficient to determine the role of this variant in disease. Therefore, it has been classified as a Variant of Uncertain Significance.

NM_145207.3(AFG2A):c.89C>T (p.Ala30Val)

Gene: AFG2A (AAA ATPase AFG2A; plus strand). Cytogenetic location: 4q28.1.
Variant type: single nucleotide variant.
Coding change: c.89C>T on transcript NM_145207.3 (MANE Select); coding-DNA position 89, C replaced by T.
Protein change: p.Ala30Val; replaces alanine 30 with valine.
Molecular consequence: missense variant.
Genome position (GRCh38, 1-based): chr4:122,923,231, C>T. VCF-style: chr4-122923231-C-T. GRCh37 (hg19) VCF-style: chr4-123844386-C-T.
Other names: c.89C>T, p.Ala30Val (NM_001317799.2, NM_001345856.2); short protein forms A30V.
Identifiers: ClinVar variation 1519824 (VCV001519824.7), dbSNP rs1251932014, ClinGen allele CA358097207.
Genomic context (GRCh38, chr4:122,923,231, plus strand): 5'-TGAACCAAAGCGCGGAAAATGGTTCGTCCTTGCCCTCTGCTGCTTCCTCTTGTGCGGAGG[C>T]ACGGGCTCCTTCTGCTGGATCAGACTTCGCGGCAACCTCCGGGACTCTGACGGTGACCAA-3'
Protein context (NP_660208.2, residues 20-40): LPSAASSCAE[Ala30Val]RAPSAGSDFA